The following is an entry in ClinVar:

NM_014319.5(LEMD3):c.1600C>G (p.Leu534Val)

Gene: LEMD3 (LEM domain containing 3; plus strand). Cytogenetic location: 12q14.3.
Variant type: single nucleotide variant.
Coding change: c.1600C>G on transcript NM_014319.5 (MANE Select); coding-DNA position 1600, C replaced by G.
Protein change: p.Leu534Val; replaces leucine 534 with valine.
Molecular consequence: missense variant.
Genome position (GRCh38, 1-based): chr12:65,216,016, C>G. VCF-style: chr12-65216016-C-G. GRCh37 (hg19) VCF-style: chr12-65609796-C-G.
Other names: c.1597C>G, p.Leu533Val (NM_001167614.2); short protein forms L533V, L534V.
Identifiers: ClinVar variation 1718927 (VCV001718927.5), dbSNP rs867619631, ClinGen allele CA385677329.

ClinVar aggregate classification (germline): Uncertain significance (1 of 4 stars; one submission).

Submission:

Labcorp Genetics (formerly Invitae), Labcorp
Classification: Uncertain significance. Last evaluated: 2022-09-08. Review status: criteria provided, single submitter. Criteria: Invitae Variant Classification Sherloc (09022015). Collection method: clinical testing. Allele origin: germline.
Comment: This sequence change replaces leucine, which is neutral and non-polar, with valine, which is neutral and non-polar, at codon 534 of the LEMD3 protein (p.Leu534Val). This variant is not present in population databases (gnomAD no frequency). This variant has not been reported in the literature in individuals affected with LEMD3-related conditions. Advanced modeling of protein sequence and biophysical properties (such as structural, functional, and spatial information, amino acid conservation, physicochemical variation, residue mobility, and thermodynamic stability) performed at Invitae indicates that this missense variant is not expected to disrupt LEMD3 protein function. In summary, the available evidence is currently insufficient to determine the role of this variant in disease. Therefore, it has been classified as a Variant of Uncertain Significance.